The following is an entry in ClinVar:

NM_002109.6(HARS1):c.706T>C (p.Ser236Pro)

Gene: HARS1 (histidyl-tRNA synthetase 1; minus strand). Cytogenetic location: 5q31.3.
Variant type: single nucleotide variant.
Coding change: c.706T>C on transcript NM_002109.6 (MANE Select); coding-DNA position 706, T replaced by C.
Protein change: p.Ser236Pro; replaces serine 236 with proline.
Molecular consequence: missense variant.
Genome position (GRCh38, 1-based): chr5:140,677,678, A>G on the plus strand (T>C on the coding strand, the complement: HARS1 is on the minus strand). VCF-style: chr5-140677678-A-G. GRCh37 (hg19) VCF-style: chr5-140057263-A-G.
Other names: c.586T>C, p.Ser196Pro (NM_001258040.3); c.646T>C, p.Ser216Pro (NM_001258041.3); c.526T>C, p.Ser176Pro (NM_001258042.3); c.484T>C, p.Ser162Pro (NM_001289092.2); c.364T>C, p.Ser122Pro (NM_001289093.2); c.619T>C, p.Ser207Pro (NM_001289094.2); short protein forms S207P, S122P, S162P, S216P, S176P, S196P, S236P.
Identifiers: ClinVar variation 3705249 (VCV003705249.2).
Genomic context (GRCh38, chr5:140,677,678, plus strand): 5'-GGATCTGGGAAAAGAAGTCAAGTACTTGGGTTGTTACCTTGTCCAGCTTGTCTACTGAGG[A>G]GCAGATGGTACGGAACTTGCTGTCAGAAACACCACAGATAGCAAACATCCCATCTAGAAT-3'
Protein context (NP_002100.2, residues 226-246): VSDSKFRTIC[Ser236Pro]SVDKLDKVSW

ClinVar aggregate classification (germline): Uncertain significance (1 of 4 stars; one submission).

Conditions:
Usher syndrome type 3B. Also called: USHER SYNDROME, TYPE IIIB. Identifiers: MedGen C3281066, MONDO:0013788, OMIM 614504.

gnomAD v4.1: 1 of 1,610,464 alleles (0.000062%); no homozygotes.

Submission:

Labcorp Genetics (formerly Invitae), Labcorp
Classification: Uncertain significance for Usher syndrome type 3B. Last evaluated: 2024-11-27. Review status: criteria provided, single submitter. Criteria: Invitae Variant Classification Sherloc (09022015). Collection method: clinical testing. Allele origin: germline.
Comment: This sequence change replaces serine, which is neutral and polar, with proline, which is neutral and non-polar, at codon 236 of the HARS protein (p.Ser236Pro). This variant is not present in population databases (gnomAD no frequency). This variant has not been reported in the literature in individuals affected with HARS-related conditions. Invitae Evidence Modeling of protein sequence and biophysical properties (such as structural, functional, and spatial information, amino acid conservation, physicochemical variation, residue mobility, and thermodynamic stability) indicates that this missense variant is expected to disrupt HARS protein function with a positive predictive value of 80%. In summary, the available evidence is currently insufficient to determine the role of this variant in disease. Therefore, it has been classified as a Variant of Uncertain Significance.